The following is an entry in ClinVar:

ClinVar aggregate classification (germline): Uncertain significance. Review status: criteria provided, multiple submitters, no conflicts (2 of 4 stars). 2 submissions from 2 submitters: Uncertain significance (2). Last evaluated 2025-10-16.

Conditions:
Hereditary pancreatitis (PCTT). Also called: Hereditary chronic pancreatitis; PRSS1-Related Hereditary Pancreatitis. Identifiers: Orphanet 676, MedGen C0238339, MONDO:0008185, OMIM 167800.

Submissions (2):

Ambry Genetics
Classification: Uncertain significance for Hereditary pancreatitis. Last evaluated: 2025-10-16. Review status: criteria provided, single submitter. Criteria: Ambry Variant Classification Scheme 2023. Collection method: clinical testing. Allele origin: germline.
Comment: The p.G32E variant (also known as c.95G>A), located in coding exon 2 of the CTRC gene, results from a G to A substitution at nucleotide position 95. The glycine at codon 32 is replaced by glutamic acid, an amino acid with similar properties. This amino acid position is conserved. In addition, this alteration is predicted to be deleterious by in silico analysis. Based on the available evidence, the clinical significance of this variant remains unclear.

Labcorp Genetics (formerly Invitae), Labcorp
Classification: Uncertain significance for Hereditary pancreatitis. Last evaluated: 2022-10-16. Review status: criteria provided, single submitter. Criteria: Invitae Variant Classification Sherloc (09022015). Collection method: clinical testing. Allele origin: germline.
Comment: This variant has not been reported in the literature in individuals affected with CTRC-related conditions. In summary, the available evidence is currently insufficient to determine the role of this variant in disease. Therefore, it has been classified as a Variant of Uncertain Significance. Advanced modeling of protein sequence and biophysical properties (such as structural, functional, and spatial information, amino acid conservation, physicochemical variation, residue mobility, and thermodynamic stability) performed at Invitae indicates that this missense variant is expected to disrupt CTRC protein function. This variant is not present in population databases (gnomAD no frequency). This sequence change replaces glycine, which is neutral and non-polar, with glutamic acid, which is acidic and polar, at codon 32 of the CTRC protein (p.Gly32Glu).

NM_007272.3(CTRC):c.95G>A (p.Gly32Glu)

Gene: CTRC (chymotrypsin C; plus strand). Cytogenetic location: 1p36.21.
Variant type: single nucleotide variant.
Coding change: c.95G>A on transcript NM_007272.3 (MANE Select); coding-DNA position 95, G replaced by A.
Protein change: p.Gly32Glu; replaces glycine 32 with glutamic acid.
Molecular consequence: missense variant.
Genome position (GRCh38, 1-based): chr1:15,440,354, G>A. VCF-style: chr1-15440354-G-A. GRCh37 (hg19) VCF-style: chr1-15766850-G-A.
Other names: c.95G>A (NM_007272.2); short protein forms G32E.
Identifiers: ClinVar variation 2153827 (VCV002153827.5), dbSNP rs2526289538, ClinGen allele CA338564634.